The following is an entry in ClinVar:

ClinVar aggregate classification (germline): Likely pathogenic (1 of 4 stars; one submission).

Submission:

GeneDx
Classification: Likely pathogenic. Last evaluated: 2025-06-10. Review status: criteria provided, single submitter. Criteria: GeneDx Variant Classification Process June 2021. Collection method: clinical testing. Allele origin: germline. Affected: yes.
Comment: Not observed at significant frequency in large population cohorts (gnomAD); In silico analysis supports that this missense variant has a deleterious effect on protein structure/function; This variant is associated with the following publications: (PMID: 35322241)

NM_004595.5(SMS):c.400T>C (p.Tyr134His)

Gene: SMS (spermine synthase; plus strand). Cytogenetic location: Xp22.11.
Variant type: single nucleotide variant.
Coding change: c.400T>C on transcript NM_004595.5 (MANE Select); coding-DNA position 400, T replaced by C.
Protein change: p.Tyr134His; replaces tyrosine 134 with histidine.
Molecular consequence: missense variant.
Genome position (GRCh38, 1-based): chrX:21,977,131, T>C. VCF-style: chrX-21977131-T-C. GRCh37 (hg19) VCF-style: chrX-21995249-T-C.
Other names: c.241T>C, p.Tyr81His (NM_001258423.2); short protein forms Y134H, Y81H.
Identifiers: ClinVar variation 4537919 (VCV004537919.1).